The following is an entry in ClinVar:

NM_025179.4(PLXNA2):c.967G>T (p.Ala323Ser)

Gene: PLXNA2 (plexin A2; minus strand). Cytogenetic location: 1q32.2.
Variant type: single nucleotide variant.
Coding change: c.967G>T on transcript NM_025179.4 (MANE Select); coding-DNA position 967, G replaced by T.
Protein change: p.Ala323Ser; replaces alanine 323 with serine.
Molecular consequence: missense variant.
Genome position (GRCh38, 1-based): chr1:208,216,956, C>A on the plus strand (G>T on the coding strand, the complement: PLXNA2 is on the minus strand). VCF-style: chr1-208216956-C-A. GRCh37 (hg19) VCF-style: chr1-208390301-C-A.
Other names: short protein forms A323S.
Identifiers: ClinVar variation 4995995 (VCV004995995.1).

ClinVar aggregate classification (germline): Uncertain significance (1 of 4 stars; one submission).

Conditions:
PLXNA2-related disorder. Also called: PLXNA2-related condition.

Submission:

PreventionGenetics, part of Exact Sciences
Classification: Uncertain significance for PLXNA2-related condition. Last evaluated: 2025-11-17. Review status: criteria provided, single submitter. Criteria: ACMG Guidelines, 2015. Collection method: clinical testing. Allele origin: germline.
Comment: The PLXNA2 c.967G>T variant is predicted to result in the amino acid substitution p.Ala323Ser. To our knowledge, this variant has not been reported in the literature or in a large population database (gnomAD), indicating this variant is rare. At this time, the clinical significance of this variant is uncertain due to the absence of conclusive functional and genetic evidence.